The following is an entry in ClinVar:

ClinVar aggregate classification (germline): Pathogenic/Likely pathogenic. Review status: criteria provided, multiple submitters, no conflicts (2 of 4 stars). 4 submissions from 4 submitters: Pathogenic (3); Likely pathogenic (1). Last evaluated 2025-04-02.

Conditions:
Familial cancer of breast. Also called: Hereditary breast cancer; hereditary breast carcinoma; BREAST CANCER, FAMILIAL. Identifiers: Orphanet 227535, MedGen C0346153, MONDO:0016419, OMIM 114480. Disease mechanism: loss of function.
Ataxia-telangiectasia syndrome (AT). Also called: Cerebello-oculocutaneous telangiectasia; Immunodeficiency with ataxia telangiectasia; Ataxia-telangiectasia, complementation group E; Ataxia-telangiectasia, complementation group D; AT, COMPLEMENTATION GROUP C; ATAXIA-TELANGIECTASIA, COMPLEMENTATION GROUP A. Identifiers: Orphanet 100, MedGen C0004135, MONDO:0008840, OMIM 208900.
Hereditary cancer-predisposing syndrome. Also called: Hereditary Cancer Syndrome; Neoplastic Syndromes, Hereditary; Hereditary neoplastic syndrome; Tumor predisposition. Identifiers: Orphanet 140162, MedGen C0027672, MeSH D009386, MONDO:0015356.

Submissions (4):

Labcorp Genetics (formerly Invitae), Labcorp
Classification: Pathogenic for Ataxia-telangiectasia syndrome. Last evaluated: 2025-04-02. Review status: criteria provided, single submitter. Criteria: Invitae Variant Classification Sherloc (09022015). Collection method: clinical testing. Allele origin: germline.
Comment: This sequence change falls in intron 17 of the ATM gene. It does not directly change the encoded amino acid sequence of the ATM protein. RNA analysis indicates that this variant induces altered splicing and may result in an absent or altered protein product. This variant is not present in population databases (gnomAD no frequency). This variant has been observed in individuals with ataxia-telangiectasia (PMID: 22006793, 23667852). ClinVar contains an entry for this variant (Variation ID: 821599). Studies have shown that this variant results in skipping of exon 18 (also known as exon 20), and produces a non-functional protein and/or introduces a premature termination codon (PMID: 22006793, 23667852). For these reasons, this variant has been classified as Pathogenic.

Women's Health and Genetics/Laboratory Corporation of America, LabCorp
Classification: Pathogenic for Ataxia-telangiectasia syndrome. Last evaluated: 2025-01-30. Review status: criteria provided, single submitter. Criteria: LabCorp Variant Classification Summary - May 2015. Collection method: clinical testing. Allele origin: germline.
Comment: Variant summary: ATM c.2639-19_2639-7del13 alters a conserved nucleotide located close to a canonical splice site and therefore could affect mRNA splicing, leading to a significantly altered protein sequence. Several computational tools predict a significant impact on normal splicing: Four predict the variant weakens the canonical 3' splicing acceptor site. Multiple publications report the variant to result in exon 18 skipping via RT-PCR (Huh_2013, Nakamura_2011). The variant was absent in 250116 control chromosomes. c.2639-19_2639-7del13 has been reported in the literature in individuals affected with Ataxia-Telangiectasia, including two affected siblings (Huh_2013, Nakamura_2011). The following publications have been ascertained in the context of this evaluation (PMID: 23667852, 22006793). ClinVar contains an entry for this variant (Variation ID: 821599). Based on the evidence outlined above, the variant was classified as pathogenic.

Myriad Genetics, Inc.
Classification: Likely pathogenic for Familial cancer of breast. Last evaluated: 2024-05-06. Review status: criteria provided, single submitter. Criteria: Myriad Autosomal Dominant, Autosomal Recessive and X-Linked Classification Criteria (2023). Collection method: clinical testing. Allele origin: unknown.
Comment: This variant is considered likely pathogenic. This variant has been reported in multiple individuals with clinical features of gene-specific disease [PMID: 23667852, 22006793]. Functional studies indicate this variant impacts protein function [PMID: 23667852, 22006793].

Ambry Genetics
Classification: Pathogenic for Hereditary cancer-predisposing syndrome. Last evaluated: 2021-08-25. Review status: criteria provided, single submitter. Criteria: Ambry Variant Classification Scheme 2023. Collection method: clinical testing. Allele origin: germline.
Comment: The c.2639-19_2639-7del13 pathogenic mutation, located in intron 16 of the ATM gene, results from a deletion of 13 nucleotides within intron 16 of the ATM gene. This alteration has been reported in individuals with ataxia telangiectasia (Nakamura K et al. Hum. Mutat., 2012 Jan;33:198-208, Huh HJ et al. Ann Lab Med, 2013 May;33:217-20). RNA analyses performed on this variant have identified an abnormal exon skipping event that produces a frameshift (Nakamura K et al. Hum. Mutat., 2012 Jan;33:198-208, Huh HJ et al. Ann Lab Med, 2013 May;33:217-20, Ambry internal data). In silico splice site analysis predicts that this alteration will weaken the native splice acceptor site. Based on the supporting evidence, this alteration is interpreted as a disease-causing mutation.

Literature cited by the submitters: PubMed 22006793 (cited by 4 submitters); PubMed 23667852 (cited by 4 submitters).

NM_000051.4(ATM):c.2639-19_2639-7del

Gene: ATM (ATM serine/threonine kinase; plus strand). Cytogenetic location: 11q22.3.
Variant type: Deletion.
Coding change: c.2639-19_2639-7del on transcript NM_000051.4 (MANE Select); 19 bases into the intron before coding-DNA position 2639 through 7 bases into the intron before coding-DNA position 2639, 13 bases deleted (GAGTGCTTTTTAT).
Molecular consequence: intron variant.
Genome position (GRCh38, 1-based): chr11:108,268,391-108,268,403, GAGTGCTTTTTAT deleted; deleting any 13 consecutive bases within chr11:108,268,389-108,268,403 gives the same sequence; the c. name uses the placement nearest the transcript's 3' end. VCF-style (leftmost placement, unchanged base first): chr11-108268388-AATGAGTGCTTTTT-A. GRCh37 (hg19) VCF-style: chr11-108139115-AATGAGTGCTTTTT-A.
Other names: c.2639-19_2639-7del (NM_001351834.2); c.2639-19_2639-7del13 (NM_000051.4).
Identifiers: ClinVar variation 821599 (VCV000821599.9), dbSNP rs1591593439, ClinGen allele CA915948368.